The following is an entry in ClinVar:

NM_024753.5(TTC21B):c.3947C>T (p.Pro1316Leu)

Gene: TTC21B (tetratricopeptide repeat domain 21B; minus strand). Cytogenetic location: 2q24.3.
Variant type: single nucleotide variant.
Coding change: c.3947C>T on transcript NM_024753.5 (MANE Select); coding-DNA position 3947, C replaced by T.
Protein change: p.Pro1316Leu; replaces proline 1316 with leucine.
Molecular consequence: missense variant.
Genome position (GRCh38, 1-based): chr2:165,874,759, G>A on the plus strand (C>T on the coding strand, the complement: TTC21B is on the minus strand). VCF-style: chr2-165874759-G-A. GRCh37 (hg19) VCF-style: chr2-166731269-G-A.
Other names: short protein forms P1316L.
Identifiers: ClinVar variation 1494030 (VCV001494030.6), dbSNP rs2105274076, ClinGen allele CA349044267.

ClinVar aggregate classification (germline): Uncertain significance (1 of 4 stars; one submission).

Conditions:
Nephronophthisis. Also called: Juvenile Nephronophthisis. Identifiers: Orphanet 655, MedGen C0687120, MONDO:0019005, HP:0000090.
Jeune thoracic dystrophy. Also called: Jeune syndrome; Infantile thoracic dystrophy; Thoracic pelvic phalangeal dystrophy; Jeune's syndrome; Chondroectodermal dysplasia-like syndrome; Short-rib thoracic dysplasia. Identifiers: Orphanet 474, MedGen C0265275, MONDO:0018770.

Submission:

Labcorp Genetics (formerly Invitae), Labcorp
Classification: Uncertain significance for Jeune thoracic dystrophy; Nephronophthisis. Last evaluated: 2024-12-16. Review status: criteria provided, single submitter. Criteria: Invitae Variant Classification Sherloc (09022015). Collection method: clinical testing. Allele origin: germline.
Comment: This sequence change replaces proline, which is neutral and non-polar, with leucine, which is neutral and non-polar, at codon 1316 of the TTC21B protein (p.Pro1316Leu). This variant is not present in population databases (gnomAD no frequency). This variant has not been reported in the literature in individuals affected with TTC21B-related conditions. ClinVar contains an entry for this variant (Variation ID: 1494030). An algorithm developed to predict the effect of missense changes on protein structure and function (PolyPhen-2) suggests that this variant is likely to be disruptive. In summary, the available evidence is currently insufficient to determine the role of this variant in disease. Therefore, it has been classified as a Variant of Uncertain Significance.